The following is an entry in ClinVar:

NM_000789.4(ACE):c.2826C>G (p.Asn942Lys)

Gene: ACE (angiotensin I converting enzyme; plus strand). Cytogenetic location: 17q23.3.
Variant type: single nucleotide variant.
Coding change: c.2826C>G on transcript NM_000789.4 (MANE Select); coding-DNA position 2826, C replaced by G.
Protein change: p.Asn942Lys; replaces asparagine 942 with lysine.
Molecular consequence: missense variant. On other transcripts: non-coding transcript variant (1).
Genome position (GRCh38, 1-based): chr17:63,491,295, C>G. VCF-style: chr17-63491295-C-G. GRCh37 (hg19) VCF-style: chr17-61568656-C-G.
Other names: c.1104C>G, p.Asn368Lys (NM_001178057.2, NM_152830.3); c.2259C>G, p.Asn753Lys (NM_001382700.1); c.1974C>G, p.Asn658Lys (NM_001382701.1); c.564C>G, p.Asn188Lys (NM_001382702.1); short protein forms N658K, N753K, N188K, N368K, N942K.
Identifiers: ClinVar variation 2187143 (VCV002187143.4), dbSNP rs201517271, ClinGen allele CA8700272.

ClinVar aggregate classification (germline): Uncertain significance (1 of 4 stars; one submission).

Allele frequency attached by ClinVar (database versions not stated): TOPMed below 0.00001; ExAC 0.00001; gnomAD 0.00001; 1000 Genomes Project 30x 0.00016; 1000 Genomes Project 0.00020.
gnomAD v4.1: 20 of 1,614,164 alleles (0.0012%); highest among the groups gnomAD compares: East Asian, 0.042%; no homozygotes.

Submission:

Labcorp Genetics (formerly Invitae), Labcorp
Classification: Uncertain significance. Last evaluated: 2024-04-22. Review status: criteria provided, single submitter. Criteria: Invitae Variant Classification Sherloc (09022015). Collection method: clinical testing. Allele origin: germline.
Comment: This sequence change replaces asparagine, which is neutral and polar, with lysine, which is basic and polar, at codon 942 of the ACE protein (p.Asn942Lys). This variant is present in population databases (rs201517271, gnomAD 0.006%). This variant has not been reported in the literature in individuals affected with ACE-related conditions. ClinVar contains an entry for this variant (Variation ID: 2187143). Advanced modeling of protein sequence and biophysical properties (such as structural, functional, and spatial information, amino acid conservation, physicochemical variation, residue mobility, and thermodynamic stability) performed at Invitae indicates that this missense variant is not expected to disrupt ACE protein function with a negative predictive value of 80%. In summary, the available evidence is currently insufficient to determine the role of this variant in disease. Therefore, it has been classified as a Variant of Uncertain Significance.